The following is an entry in ClinVar:

NM_000878.5(IL2RB):c.564G>C (p.Gln188His)

Gene: IL2RB (interleukin 2 receptor subunit beta; minus strand). Cytogenetic location: 22q12.3.
Variant type: single nucleotide variant.
Coding change: c.564G>C on transcript NM_000878.5 (MANE Select); coding-DNA position 564, G replaced by C.
Protein change: p.Gln188His; replaces glutamine 188 with histidine.
Molecular consequence: missense variant.
Genome position (GRCh38, 1-based): chr22:37,136,367, C>G on the plus strand (G>C on the coding strand, the complement: IL2RB is on the minus strand). VCF-style: chr22-37136367-C-G. GRCh37 (hg19) VCF-style: chr22-37532407-C-G.
Other names: c.564G>C, p.Gln188His (NM_001346222.1, NM_001346223.2); short protein forms Q188H.
Identifiers: ClinVar variation 3775179 (VCV003775179.1).

ClinVar aggregate classification (germline): Uncertain significance (1 of 4 stars; one submission).

Conditions:
Immunodeficiency 63 with lymphoproliferation and autoimmunity. Also called: INTERLEUKIN 2 RECEPTOR, BETA, DEFICIENCY OF; IL2RB DEFICIENCY; CD122 DEFICIENCY. Identifiers: MedGen C5193126, MONDO:0032782, OMIM 618495.

Submission:

3billion
Classification: Uncertain significance for Immunodeficiency 63 with lymphoproliferation and autoimmunity. Last evaluated: 2023-12-08. Review status: criteria provided, single submitter. Criteria: ACMG Guidelines, 2015. Collection method: clinical testing. Allele origin: germline. Affected: yes.
Comment: The variant is not observed in the gnomAD v2.1.1 dataset. Predicted Consequence/Location: Missense variant Damaging effect on gene or gene product predicted by in silico programs is uncertain [REVEL: 0.52 (damaging >=0.6, benign <0.4), 3Cnet: 0.24 (damaging >=0.6, benign <0.15)]. Therefore, this variant is classified as VUS according to the recommendation of ACMG/AMP guideline.